The following is an entry in ClinVar:

NM_002354.3(EPCAM):c.341C>G (p.Ser114Cys)

Gene: EPCAM (epithelial cell adhesion molecule; plus strand). Cytogenetic location: 2p21.
Variant type: single nucleotide variant.
Coding change: c.341C>G on transcript NM_002354.3 (MANE Select); coding-DNA position 341, C replaced by G.
Protein change: p.Ser114Cys; replaces serine 114 with cysteine.
Molecular consequence: missense variant.
Genome position (GRCh38, 1-based): chr2:47,373,964, C>G. VCF-style: chr2-47373964-C-G. GRCh37 (hg19) VCF-style: chr2-47601103-C-G.
Other names: short protein forms S114C.
Identifiers: ClinVar variation 1731245 (VCV001731245.3), dbSNP rs889513366, ClinGen allele CA46691818.

ClinVar aggregate classification (germline): Uncertain significance (1 of 4 stars; one submission).

Conditions:
Hereditary cancer-predisposing syndrome. Also called: Neoplastic Syndromes, Hereditary; Tumor predisposition; Hereditary Cancer Syndrome; Hereditary neoplastic syndrome. Identifiers: Orphanet 140162, MedGen C0027672, MeSH D009386, MONDO:0015356.

Allele frequency attached by ClinVar (database versions not stated): gnomAD exomes below 0.00001; gnomAD 0.00002; TOPMed 0.00002.

Submission:

Ambry Genetics
Classification: Uncertain significance for Hereditary cancer-predisposing syndrome. Last evaluated: 2025-03-22. Review status: criteria provided, single submitter. Criteria: Ambry Variant Classification Scheme 2023. Collection method: clinical testing. Allele origin: germline.
Comment: The p.S114C variant (also known as c.341C>G), located in coding exon 3 of the EPCAM gene, results from a C to G substitution at nucleotide position 341. The serine at codon 114 is replaced by cysteine, an amino acid with dissimilar properties. This amino acid position is conserved. In addition, this alteration is predicted to be tolerated by in silico analysis. Since supporting evidence is limited at this time, the clinical significance of this alteration remains unclear.